The following is an entry in ClinVar:

ClinVar aggregate classification (germline): Uncertain significance (1 of 4 stars; one submission).

Allele frequency attached by ClinVar (database versions not stated): gnomAD exomes below 0.00001 and 0.00001; gnomAD 0.00001; ExAC 0.00004.
gnomAD v4.1: 5 of 1,595,508 alleles (0.00031%); highest among the groups gnomAD compares: East Asian, 0.0022%; no homozygotes.

Submission:

Labcorp Genetics (formerly Invitae), Labcorp
Classification: Uncertain significance. Last evaluated: 2021-11-10. Review status: criteria provided, single submitter. Criteria: Invitae Variant Classification Sherloc (09022015). Collection method: clinical testing. Allele origin: germline.
Comment: This variant has not been reported in the literature in individuals affected with RETREG1-related conditions. Algorithms developed to predict the effect of missense changes on protein structure and function (SIFT, PolyPhen-2, Align-GVGD) all suggest that this variant is likely to be tolerated. Algorithms developed to predict the effect of sequence changes on RNA splicing suggest that this variant may create or strengthen a splice site. In summary, the available evidence is currently insufficient to determine the role of this variant in disease. Therefore, it has been classified as a Variant of Uncertain Significance. This variant is present in population databases (rs760809113, gnomAD 0.006%). This sequence change replaces asparagine, which is neutral and polar, with serine, which is neutral and polar, at codon 103 of the RETREG1 protein (p.Asn103Ser).

NM_001034850.3(RETREG1):c.308A>G (p.Asn103Ser)

Genes: RETREG1 (reticulophagy regulator 1; minus strand), RETREG1-AS1 (RETREG1 antisense RNA 1; plus strand). Cytogenetic location: 5p15.1.
Variant type: single nucleotide variant.
Coding change: c.308A>G on transcript NM_001034850.3 (MANE Select); coding-DNA position 308, A replaced by G.
Protein change: p.Asn103Ser; replaces asparagine 103 with serine.
Molecular consequence: missense variant.
Genome position (GRCh38, 1-based): chr5:16,616,664, T>C on the plus strand (A>G on the coding strand, the complement: RETREG1 is on the minus strand). VCF-style: chr5-16616664-T-C. GRCh37 (hg19) VCF-style: chr5-16616773-T-C.
Other names: short protein forms N103S.
Identifiers: ClinVar variation 1377028 (VCV001377028.6), dbSNP rs760809113, ClinGen allele CA3210521.